The following is an entry in ClinVar:

ClinVar aggregate classification (germline): Uncertain significance (1 of 4 stars; one submission).

gnomAD v4.1: 3 of 1,613,902 alleles (0.00019%); highest among the groups gnomAD compares: Admixed American, 0.0033%; no homozygotes.

Submission:

Dasa
Classification: Uncertain significance. Last evaluated: 2025-05-28. Review status: criteria provided, single submitter. Criteria: DASA Assertion Criteria. Collection method: clinical testing. Allele origin: germline.
Comment: NM_020987.5(ANK3):c.3016A>G (p.Arg1006Gly) is a missense variant that results in the substitution of arginine with glycine. This variant is rare in population databases. The currently available literature and clinical evidence are not sufficient to establish a definitive association between this variant and the reported condition. Therefore, this variant is classified as a variant of uncertain significance.

NM_020987.5(ANK3):c.3016A>G (p.Arg1006Gly)

Gene: ANK3 (ankyrin 3; minus strand). Cytogenetic location: 10q21.2.
Variant type: single nucleotide variant.
Coding change: c.3016A>G on transcript NM_020987.5 (MANE Select); coding-DNA position 3016, A replaced by G.
Protein change: p.Arg1006Gly; replaces arginine 1006 with glycine.
Molecular consequence: missense variant.
Genome position (GRCh38, 1-based): chr10:60,108,987, T>C on the plus strand (A>G on the coding strand, the complement: ANK3 is on the minus strand). VCF-style: chr10-60108987-T-C. GRCh37 (hg19) VCF-style: chr10-61868745-T-C.
Other names: c.418A>G, p.Arg140Gly (NM_001149.4); c.2998A>G, p.Arg1000Gly (NM_001204403.2); c.3019A>G, p.Arg1007Gly (NM_001204404.2); c.3016A>G, p.Arg1006Gly (NM_001320874.2); short protein forms R1000G, R1006G, R1007G, R140G.
Identifiers: ClinVar variation 4885572 (VCV004885572.2).